The following is an entry in ClinVar:

ClinVar aggregate classification (germline): Uncertain significance. Review status: criteria provided, multiple submitters, no conflicts (2 of 4 stars). 2 submissions from 2 submitters: Uncertain significance (2). Last evaluated 2021-09-16.

Conditions:
Nephronophthisis 3 (NPHP3). Also called: Adolescent nephronophthisis. Identifiers: Orphanet 655, MedGen C1858392, MONDO:0011456, OMIM 604387.
Renal-hepatic-pancreatic dysplasia 1 (RHPD1). Identifiers: MedGen C3715199, MONDO:0008833, OMIM 208540.
NPHP3-related Meckel-like syndrome. Also called: GOLDSTON SYNDROME; Meckel syndrome type 7. Identifiers: Orphanet 3032, MedGen C2673885, MONDO:0009966, OMIM 267010.
Nephronophthisis. Also called: Juvenile Nephronophthisis. Identifiers: Orphanet 655, MedGen C0687120, MONDO:0019005, HP:0000090.

Submissions (2):

Fulgent Genetics
Classification: Uncertain significance for Renal-hepatic-pancreatic dysplasia 1; NPHP3-related Meckel-like syndrome; Nephronophthisis 3. Last evaluated: 2021-09-16. Review status: criteria provided, single submitter. Criteria: ACMG Guidelines, 2015. Collection method: clinical testing. Allele origin: unknown.

Labcorp Genetics (formerly Invitae), Labcorp
Classification: Uncertain significance for Nephronophthisis. Last evaluated: 2020-04-29. Review status: criteria provided, single submitter. Criteria: Invitae Variant Classification Sherloc (09022015). Collection method: clinical testing. Allele origin: germline.
Comment: In summary, the available evidence is currently insufficient to determine the role of this variant in disease. Therefore, it has been classified as a Variant of Uncertain Significance. Algorithms developed to predict the effect of missense changes on protein structure and function are either unavailable or do not agree on the potential impact of this missense change (SIFT: "Deleterious"; PolyPhen-2: "Probably Damaging"; Align-GVGD: "Class C0"). This variant has not been reported in the literature in individuals with NPHP3-related conditions. This variant is not present in population databases (ExAC no frequency). This sequence change replaces proline with leucine at codon 979 of the NPHP3 protein (p.Pro979Leu). The proline residue is highly conserved and there is a moderate physicochemical difference between proline and leucine.

NM_153240.5(NPHP3):c.2936C>T (p.Pro979Leu)

Genes: NPHP3 (nephrocystin 3; minus strand), NPHP3-ACAD11 (NPHP3-ACAD11 readthrough (NMD candidate); minus strand). Cytogenetic location: 3q22.1.
Variant type: single nucleotide variant.
Coding change: c.2936C>T on transcript NM_153240.5 (MANE Select); coding-DNA position 2936, C replaced by T.
Protein change: p.Pro979Leu; replaces proline 979 with leucine.
Molecular consequence: missense variant. On other transcripts: non-coding transcript variant (1).
Genome position (GRCh38, 1-based): chr3:132,688,839, G>A on the plus strand (C>T on the coding strand, the complement: NPHP3 is on the minus strand). VCF-style: chr3-132688839-G-A. GRCh37 (hg19) VCF-style: chr3-132407683-G-A.
Other names: short protein forms P979L.
Identifiers: ClinVar variation 998934 (VCV000998934.9), dbSNP rs903849432, ClinGen allele CA83584843.